The following is an entry in ClinVar:

ClinVar aggregate classification (germline): Benign/Likely benign. Review status: criteria provided, multiple submitters, no conflicts (2 of 4 stars). 7 submissions from 6 submitters: Benign (5); Likely benign (2). Last evaluated 2025-11-12.

Conditions:
Autosomal recessive spinocerebellar ataxia 14. Also called: CEREBELLAR ATAXIA, AUTOSOMAL RECESSIVE, SPECTRIN-ASSOCIATED, 1. Identifiers: Orphanet 352403, MedGen C4706415, MONDO:0014159, OMIM 615386.
Spinocerebellar ataxia type 5 (SCA5). Identifiers: Orphanet 98766, MedGen C0752123, MONDO:0010848, OMIM 600224.

Allele frequency attached by ClinVar (database versions not stated): ESP Exome Variant Server 0.00100; TOPMed 0.00117; 1000 Genomes Project 30x 0.00125; 1000 Genomes Project 0.00160; gnomAD exomes 0.00232 and 0.00283; gnomAD 0.00263 and 0.00277; ExAC 0.00303.
gnomAD v4.1: 3,757 of 1,599,258 alleles (0.23%); highest among the groups gnomAD compares: Non-Finnish European, 0.19%; 23 homozygotes.

Submissions (7):

Labcorp Genetics (formerly Invitae), Labcorp
Classification: Benign. Last evaluated: 2025-11-12. Review status: criteria provided, single submitter. Criteria: Invitae Variant Classification Sherloc (09022015). Collection method: clinical testing. Allele origin: germline.

CeGaT Center for Human Genetics Tuebingen
Classification: Benign. Last evaluated: 2025-11-01. Review status: criteria provided, single submitter. Criteria: CeGaT Center For Human Genetics Tuebingen Variant Classification Criteria Version 2. Collection method: clinical testing. Allele origin: germline. Affected: yes. Observed: 9 variant alleles.
Comment: SPTBN2: BP4, BS1, BS2

Mayo Clinic Laboratories, Mayo Clinic
Classification: Benign. Last evaluated: 2025-06-10. Review status: criteria provided, single submitter. Criteria: ACMG Guidelines, 2015. Collection method: clinical testing. Allele origin: germline. Observed: 1 variant allele.
Comment: BS1, BS2, BP4, BP7

Blueprint Genetics
Classification: Likely benign. Last evaluated: 2024-11-21. Review status: criteria provided, single submitter. Criteria: ACMG Guidelines, 2015. Collection method: clinical testing. Allele origin: germline.

Athena Diagnostics
Classification: Benign. Last evaluated: 2021-02-10. Review status: criteria provided, single submitter. Criteria: Athena Diagnostics criteria. Collection method: clinical testing. Allele origin: unknown.

Illumina Laboratory Services, Illumina
Classification: Benign for Spinocerebellar ataxia type 5. Last evaluated: 2018-01-13. Review status: criteria provided, single submitter. Criteria: ICSL Variant Classification Criteria 13 December 2019. Collection method: clinical testing. Allele origin: germline.
Comment: This variant was observed in the ICSL laboratory as part of a predisposition screen in an ostensibly healthy population. It had not been previously curated by ICSL or reported in the Human Gene Mutation Database (HGMD: prior to June 1st, 2018), and was therefore a candidate for classification through an automated scoring system. Utilizing variant allele frequency, disease prevalence and penetrance estimates, and inheritance mode, an automated score was calculated to assess if this variant is too frequent to cause the disease. Based on the score and internal cut-off values, a variant classified as benign is not then subjected to further curation. The score for this variant resulted in a classification of benign for this disease.

Illumina Laboratory Services, Illumina
Classification: Likely benign for Autosomal recessive spinocerebellar ataxia 14. Last evaluated: 2018-01-13. Review status: criteria provided, single submitter. Criteria: ICSL Variant Classification Criteria 13 December 2019. Collection method: clinical testing. Allele origin: germline.
Comment: This variant was observed in the ICSL laboratory as part of a predisposition screen in an ostensibly healthy population. It had not been previously curated by ICSL or reported in the Human Gene Mutation Database (HGMD: prior to June 1st, 2018), and was therefore a candidate for classification through an automated scoring system. Utilizing variant allele frequency, disease prevalence and penetrance estimates, and inheritance mode, an automated score was calculated to assess if this variant is too frequent to cause the disease. Based on the score and internal cut-off values, a variant classified as likely benign is not then subjected to further curation. The score for this variant resulted in a classification of likely benign for this disease.

NM_006946.4(SPTBN2):c.5950-8G>A

Gene: SPTBN2 (spectrin beta, non-erythrocytic 2; minus strand). Cytogenetic location: 11q13.2.
Variant type: single nucleotide variant.
Coding change: c.5950-8G>A on transcript NM_006946.4 (MANE Select); 8 bases into the intron before coding-DNA position 5950, G replaced by A.
Molecular consequence: intron variant.
Genome position (GRCh38, 1-based): chr11:66,689,188, C>T on the plus strand (G>A on the coding strand, the complement: SPTBN2 is on the minus strand). VCF-style: chr11-66689188-C-T. GRCh37 (hg19) VCF-style: chr11-66456659-C-T.
Other names: p.?; c.5950-8G>A (NM_006946.3).
Identifiers: ClinVar variation 305540 (VCV000305540.50), dbSNP rs201759431, ClinGen allele CA6128082.